The following is an entry in ClinVar:

ClinVar aggregate classification (germline): Conflicting classifications of pathogenicity. Review status: criteria provided, conflicting classifications (1 of 4 stars). 5 submissions from 5 submitters: Uncertain significance (2); Benign (1); Likely benign (1). 1 of the submissions does not count toward it. Last evaluated 2026-08-27.

Conditions:
Nemaline myopathy 2 (NEM2). Also called: Nemaline myopathy 2, autosomal recessive. Identifiers: MedGen C1850569, MONDO:0009725, OMIM 256030.
Inborn genetic diseases. Identifiers: MedGen C0950123, MeSH D030342.

Allele frequency attached by ClinVar (database versions not stated): gnomAD exomes 0.00001 and 0.00003; ExAC 0.00004; gnomAD 0.00014 and 0.00016; TOPMed 0.00017; ESP Exome Variant Server 0.00025.
gnomAD v4.1: 37 of 1,611,940 alleles (0.0023%); highest among the groups gnomAD compares: African/African-American, 0.04%; no homozygotes.

Submissions (5):

GeneDx
Classification: Uncertain significance. Last evaluated: 2026-08-27. Review status: criteria provided, single submitter. Criteria: GeneDx Variant Classification Process June 2021. Collection method: clinical testing. Allele origin: germline.
Comment: In silico analysis suggests that this missense variant does not alter protein structure/function; Has not been previously published as pathogenic or benign to our knowledge

CeGaT Center for Human Genetics Tuebingen
Classification: Likely benign. Last evaluated: 2026-02-01. Review status: criteria provided, single submitter. Criteria: CeGaT Center For Human Genetics Tuebingen Variant Classification Criteria Version 2. Collection method: clinical testing. Allele origin: germline. Affected: yes. Observed: 1 variant allele.
Comment: NEB: BP4

Labcorp Genetics (formerly Invitae), Labcorp
Classification: Benign for Nemaline myopathy 2. Last evaluated: 2026-01-14. Review status: criteria provided, single submitter. Criteria: Invitae Variant Classification Sherloc (09022015). Collection method: clinical testing. Allele origin: germline.

Ambry Genetics
Classification: Uncertain significance for Inborn genetic diseases. Last evaluated: 2025-01-27. Review status: criteria provided, single submitter. Criteria: Ambry Variant Classification Scheme 2023. Collection method: clinical testing. Allele origin: germline.

Natera, Inc.
Classification: Uncertain significance for Nemaline myopathy type 2. Last evaluated: 2020-11-03. Review status: no assertion criteria provided. Collection method: clinical testing. Allele origin: germline. Not counted in ClinVar's aggregate classification.

NM_001164508.2(NEB):c.19745C>T (p.Ala6582Val)

Gene: NEB (nebulin; minus strand). Cytogenetic location: 2q23.3.
Variant type: single nucleotide variant.
Coding change: c.19745C>T on transcript NM_001164508.2 (MANE Select); coding-DNA position 19745, C replaced by T.
Protein change: p.Ala6582Val; replaces alanine 6582 with valine.
Molecular consequence: missense variant.
Genome position (GRCh38, 1-based): chr2:151,552,763, G>A on the plus strand (C>T on the coding strand, the complement: NEB is on the minus strand). VCF-style: chr2-151552763-G-A. GRCh37 (hg19) VCF-style: chr2-152409277-G-A.
Other names: c.14642C>T (NM_004543.4); c.19745C>T, p.Ala6582Val (NM_001164507.2, NM_001271208.2); c.14642C>T, p.Ala4881Val (NM_004543.5); short protein forms A4881V, A6582V.
Identifiers: ClinVar variation 1200276 (VCV001200276.15), dbSNP rs375646776, ClinGen allele CA1907541.